The following is an entry in ClinVar:

ClinVar aggregate classification (germline): Likely pathogenic (1 of 4 stars; one submission).

Submission:

Labcorp Genetics (formerly Invitae), Labcorp
Classification: Likely pathogenic. Last evaluated: 2025-11-27. Review status: criteria provided, single submitter. Criteria: Invitae Variant Classification Sherloc (09022015). Collection method: clinical testing. Allele origin: germline.
Comment: This sequence change affects a splice site in intron 7 of the CEP63 gene. It is expected to disrupt RNA splicing. Variants that disrupt the donor or acceptor splice site typically lead to a loss of protein function (PMID: 16199547), and loss-of-function variants in CEP63 are known to be pathogenic (PMID: 21983783, 23936128, 26158450). Information on the frequency of this variant in the gnomAD database is not available, as this variant may be reported differently in the database. This variant has not been reported in the literature in individuals affected with CEP63-related conditions. In summary, the currently available evidence indicates that the variant is pathogenic, but additional data are needed to prove that conclusively. Therefore, this variant has been classified as Likely Pathogenic.

Literature cited by the submitters: PubMed 16199547; PubMed 21983783; PubMed 23936128; PubMed 26158450.

NM_001353108.3(CEP63):c.555_555+1delinsCA

Gene: CEP63 (centrosomal protein 63; plus strand). Cytogenetic location: 3q22.2.
Variant type: Indel.
Coding change: c.555_555+1delinsCA on transcript NM_001353108.3 (MANE Select); coding-DNA position 555 through the canonical splice donor site of the intron after coding-DNA position 555, GG replaced by CA.
Molecular consequence: splice donor variant.
Genome position (GRCh38, 1-based): chr3:134,537,268-134,537,269, GG replaced by CA. VCF-style: chr3-134537268-GG-CA. GRCh37 (hg19) VCF-style: chr3-134256110-GG-CA.
Other names: c.555_555+1delinsCA (NM_001353113.1, NM_001042384.2, NM_001353122.1 and 13 more transcripts); c.582_582+1delinsCA (NM_001353118.1); c.192_192+1delinsCA (NM_001353126.2); c.471_471+1delinsCA (NM_001353125.2).
Identifiers: ClinVar variation 4803434 (VCV004803434.1).
Genomic context (GRCh38, chr3:134,537,268, plus strand): 5'-ACAGGTATCTTCACTGGAGGCACAAAGGAAGGCTCTGGCTGAACAATCAGAGATAATTCA[GG>CA]TAGGCCTAAGACTTTTTAAAATAATGAGAAGCAGATAGGTTTTGATCAAGTTTGAACTAC-3'